The following is an entry in ClinVar:

NM_001904.4(CTNNB1):c.643G>A (p.Ala215Thr)

Genes: CTNNB1 (catenin beta 1; plus strand), LOC126806658 (BRD4-independent group 4 enhancer GRCh37_chr3:41265899-41267098; plus strand). Cytogenetic location: 3p22.1.
Variant type: single nucleotide variant.
Coding change: c.643G>A on transcript NM_001904.4 (MANE Select); coding-DNA position 643, G replaced by A.
Protein change: p.Ala215Thr; replaces alanine 215 with threonine.
Molecular consequence: missense variant.
Genome position (GRCh38, 1-based): chr3:41,225,481, G>A. VCF-style: chr3-41225481-G-A. GRCh37 (hg19) VCF-style: chr3-41266972-G-A.
Other names: c.643G>A, p.Ala215Thr (NM_001098209.2, NM_001098210.2); c.622G>A, p.Ala208Thr (NM_001330729.2); short protein forms A208T, A215T.
Identifiers: ClinVar variation 1200393 (VCV001200393.6), dbSNP rs369771822, ClinGen allele CA2330958.

ClinVar aggregate classification (germline): Conflicting classifications of pathogenicity. Review status: criteria provided, conflicting classifications (1 of 4 stars). 3 submissions from 3 submitters: Uncertain significance (2); Likely benign (1). Last evaluated 2025-10-16.

Allele frequency attached by ClinVar (database versions not stated): gnomAD exomes 0.00001; ExAC 0.00002; TOPMed 0.00002; ESP Exome Variant Server 0.00008.
gnomAD v4.1: 62 of 1,613,818 alleles (0.0038%); highest among the groups gnomAD compares: Non-Finnish European, 0.0047%; no homozygotes.

Submissions (3):

Labcorp Genetics (formerly Invitae), Labcorp
Classification: Uncertain significance. Last evaluated: 2025-10-16. Review status: criteria provided, single submitter. Criteria: Invitae Variant Classification Sherloc (09022015). Collection method: clinical testing. Allele origin: germline.
Comment: This sequence change replaces alanine, which is neutral and non-polar, with threonine, which is neutral and polar, at codon 215 of the CTNNB1 protein (p.Ala215Thr). This variant is present in population databases (rs369771822, gnomAD 0.005%). This variant has not been reported in the literature in individuals affected with CTNNB1-related conditions. ClinVar contains an entry for this variant (Variation ID: 1200393). Invitae Evidence Modeling of protein sequence and biophysical properties (such as structural, functional, and spatial information, amino acid conservation, physicochemical variation, residue mobility, and thermodynamic stability) indicates that this missense variant is not expected to disrupt CTNNB1 protein function with a negative predictive value of 80%. In summary, the available evidence is currently insufficient to determine the role of this variant in disease. Therefore, it has been classified as a Variant of Uncertain Significance.

Blueprint Genetics
Classification: Uncertain significance. Last evaluated: 2021-07-29. Review status: criteria provided, single submitter. Criteria: ACMG Guidelines, 2015. Collection method: clinical testing. Allele origin: germline.

GeneDx
Classification: Likely benign. Last evaluated: 2020-11-27. Review status: criteria provided, single submitter. Criteria: GeneDx Variant Classification Process June 2021. Collection method: clinical testing. Allele origin: germline. Affected: yes.